The following is an entry in ClinVar:

NM_212552.3(BOLA3):c.54+307G>A

Gene: BOLA3 (bolA family member 3; minus strand). Cytogenetic location: 2p13.1.
Variant type: single nucleotide variant.
Coding change: c.54+307G>A on transcript NM_212552.3 (MANE Select); 307 bases into the intron after coding-DNA position 54, G replaced by A.
Molecular consequence: intron variant.
Genome position (GRCh38, 1-based): chr2:74,147,514, C>T on the plus strand (G>A on the coding strand, the complement: BOLA3 is on the minus strand). VCF-style: chr2-74147514-C-T. GRCh37 (hg19) VCF-style: chr2-74374641-C-T.
Other names: c.54+307G>A (NM_001035505.2).
Identifiers: ClinVar variation 683407 (VCV000683407.2), dbSNP rs828884, ClinGen allele CA11228706.

ClinVar aggregate classification (germline): Benign. Review status: criteria provided, multiple submitters, no conflicts (2 of 4 stars). 2 submissions from 2 submitters: Benign (2). Last evaluated 2018-06-14.

Allele frequency attached by ClinVar (database versions not stated): gnomAD exomes 0.39471; 1000 Genomes Project 0.40056; 1000 Genomes Project 30x 0.40881; TOPMed 0.47292; gnomAD 0.47595 and 0.48953.
gnomAD v4.1: 182,590 of 430,692 alleles (42%); highest among the groups gnomAD compares: African/African-American, 65%; 41,941 homozygotes.

Submissions (2):

GeneDx
Classification: Benign. Last evaluated: 2018-06-14. Review status: criteria provided, single submitter. Criteria: GeneDx Variant Classification (06012015). Collection method: clinical testing. Allele origin: germline. Affected: yes.
Comment: This variant is considered likely benign or benign based on one or more of the following criteria: it is a conservative change, it occurs at a poorly conserved position in the protein, it is predicted to be benign by multiple in silico algorithms, and/or has population frequency not consistent with disease.

Breakthrough Genomics
Classification: Benign. Review status: criteria provided, single submitter. Criteria: ACMG Guidelines, 2015. Collection method: not provided. Allele origin: germline. Inheritance: Autosomal recessive inheritance. Affected: yes.